The following is an entry in ClinVar:

NM_003560.4(PLA2G6):c.1186+1G>T

Gene: PLA2G6 (phospholipase A2 group VI; minus strand). Cytogenetic location: 22q13.1.
Variant type: single nucleotide variant.
Coding change: c.1186+1G>T on transcript NM_003560.4 (MANE Select); the canonical splice donor site of the intron after coding-DNA position 1186, G replaced by T.
Molecular consequence: splice donor variant.
Genome position (GRCh38, 1-based): chr22:38,129,453, C>A on the plus strand (G>T on the coding strand, the complement: PLA2G6 is on the minus strand). VCF-style: chr22-38129453-C-A. GRCh37 (hg19) VCF-style: chr22-38525460-C-A.
Other names: c.508+1G>T (NM_001349868.2); c.1186+1G>T (NM_001349866.2, NM_001199562.3, NM_001349865.2 and 2 more transcripts); c.652+1G>T (NM_001349869.2, NM_001349867.2).
Identifiers: ClinVar variation 2581775 (VCV002581775.6), dbSNP rs761815070, ClinGen allele CA411530356.

ClinVar aggregate classification (germline): Pathogenic/Likely pathogenic. Review status: criteria provided, multiple submitters, no conflicts (2 of 4 stars). 3 submissions from 3 submitters: Pathogenic (2); Likely pathogenic (1). Last evaluated 2026-03-21.

Conditions:
Infantile neuroaxonal dystrophy (NBIA2A). Also called: Infantile neuroaxonal dystrophy 1; NEURODEGENERATION WITH BRAIN IRON ACCUMULATION 2A; SEITELBERGER DISEASE. Identifiers: Orphanet 35069, MedGen C0270724, MONDO:0024457, OMIM 256600.
Autosomal recessive Parkinson disease 14. Also called: DYSTONIA-PARKINSONISM, ADULT-ONSET; PARKINSON DISEASE 14. Identifiers: Orphanet 199351, MedGen C2751842, MONDO:0013060, OMIM 612953.
Neurodegeneration with brain iron accumulation 2B. Also called: NEUROAXONAL DYSTROPHY, ATYPICAL; NEURODEGENERATION WITH BRAIN IRON ACCUMULATION, PLA2G6-RELATED; aNAD; atypical Neuroaxonal Dystrophy (aNAD). Identifiers: Orphanet 35069, MedGen C1857747, MONDO:0012444, OMIM 610217.

Allele frequency attached by ClinVar (database versions not stated): gnomAD 0.00001.
gnomAD v4.1: 4 of 1,598,064 alleles (0.00025%); highest among the groups gnomAD compares: African/African-American, 0.0054%; no homozygotes.

Submissions (3):

GeneDx
Classification: Pathogenic. Last evaluated: 2026-03-21. Review status: criteria provided, single submitter. Criteria: GeneDx Variant Classification Process June 2021. Collection method: clinical testing. Allele origin: germline. Affected: yes.
Comment: Canonical splice site variant predicted to result in a null allele in a gene for which loss of function is a known mechanism of disease; Has not been previously published as pathogenic or benign to our knowledge

Fulgent Genetics
Classification: Likely pathogenic for Infantile neuroaxonal dystrophy; Neurodegeneration with brain iron accumulation 2B; Autosomal recessive Parkinson disease 14. Last evaluated: 2024-05-16. Review status: criteria provided, single submitter. Criteria: ACMG Guidelines, 2015. Collection method: clinical testing. Allele origin: germline.

Labcorp Genetics (formerly Invitae), Labcorp
Classification: Pathogenic for Infantile neuroaxonal dystrophy. Last evaluated: 2023-10-28. Review status: criteria provided, single submitter. Criteria: Invitae Variant Classification Sherloc (09022015). Collection method: clinical testing. Allele origin: germline.
Comment: This sequence change affects a donor splice site in intron 8 of the PLA2G6 gene. It is expected to disrupt RNA splicing. Variants that disrupt the donor or acceptor splice site typically lead to a loss of protein function (PMID: 16199547), and loss-of-function variants in PLA2G6 are known to be pathogenic (PMID: 16783378, 18570303, 18799783, 22213678). This variant is present in population databases (no rsID available, gnomAD 0.02%). Disruption of this splice site has been observed in individuals with clinical features of infantile neuroaxonal dystrophy (PMID: 20584031, 32404165; Invitae). Algorithms developed to predict the effect of sequence changes on RNA splicing suggest that this variant may disrupt the consensus splice site. For these reasons, this variant has been classified as Pathogenic.

Literature cited by the submitters: PubMed 16199547 (cited by Labcorp Genetics (formerly Invitae), Labcorp); PubMed 16783378 (cited by Labcorp Genetics (formerly Invitae), Labcorp); PubMed 18570303 (cited by Labcorp Genetics (formerly Invitae), Labcorp); PubMed 18799783 (cited by Labcorp Genetics (formerly Invitae), Labcorp); PubMed 22213678 (cited by Labcorp Genetics (formerly Invitae), Labcorp); PubMed 20584031 (cited by Labcorp Genetics (formerly Invitae), Labcorp); PubMed 32404165 (cited by Labcorp Genetics (formerly Invitae), Labcorp).